The following is an entry in ClinVar:

NM_001384317.1(ZHX3):c.2770T>A (p.Ser924Thr)

Gene: ZHX3 (zinc fingers and homeoboxes 3; minus strand). Cytogenetic location: 20q12.
Variant type: single nucleotide variant.
Coding change: c.2770T>A on transcript NM_001384317.1 (MANE Select); coding-DNA position 2770, T replaced by A.
Protein change: p.Ser924Thr; replaces serine 924 with threonine.
Molecular consequence: missense variant. On other transcripts: intron variant (1).
Genome position (GRCh38, 1-based): chr20:41,202,147, A>T on the plus strand (T>A on the coding strand, the complement: ZHX3 is on the minus strand). VCF-style: chr20-41202147-A-T. GRCh37 (hg19) VCF-style: chr20-39830787-A-T.
Other names: c.2770T>A, p.Ser924Thr (NM_001384315.1, NM_001384316.1, NM_001384318.1 and 7 more transcripts); c.2634+136T>A (NM_001384324.1); short protein forms S924T.
Identifiers: ClinVar variation 2889849 (VCV002889849.3), dbSNP rs772916562, ClinGen allele CA9859746.

ClinVar aggregate classification (germline): Uncertain significance (1 of 4 stars; one submission).

Allele frequency attached by ClinVar (database versions not stated): TOPMed 0.00003; ExAC 0.00004; gnomAD 0.00003; gnomAD exomes 0.00004.
gnomAD v4.1: 70 of 1,613,964 alleles (0.0043%); highest among the groups gnomAD compares: Non-Finnish European, 0.005%; no homozygotes.

Submission:

Labcorp Genetics (formerly Invitae), Labcorp
Classification: Uncertain significance. Last evaluated: 2025-12-29. Review status: criteria provided, single submitter. Criteria: Invitae Variant Classification Sherloc (09022015). Collection method: clinical testing. Allele origin: germline.
Comment: This sequence change replaces serine, which is neutral and polar, with threonine, which is neutral and polar, at codon 924 of the ZHX3 protein (p.Ser924Thr). This variant is present in population databases (rs772916562, gnomAD 0.01%). This variant has not been reported in the literature in individuals affected with ZHX3-related conditions. ClinVar contains an entry for this variant (Variation ID: 2889849). An algorithm developed to predict the effect of missense changes on protein structure and function outputs the following: PolyPhen-2: "Benign". The threonine amino acid residue is found in multiple mammalian species, which suggests that this missense change does not adversely affect protein function. In summary, the available evidence is currently insufficient to determine the role of this variant in disease. Therefore, it has been classified as a Variant of Uncertain Significance.